The following is an entry in ClinVar:

NM_032242.4(PLXNA1):c.54G>A (p.Leu18=)

Gene: PLXNA1 (plexin A1; plus strand). Cytogenetic location: 3q21.3.
Variant type: single nucleotide variant.
Coding change: c.54G>A on transcript NM_032242.4 (MANE Select); coding-DNA position 54, G replaced by A.
Protein change: p.Leu18=; no amino-acid change (leucine 18 retained).
Molecular consequence: synonymous variant.
Genome position (GRCh38, 1-based): chr3:126,988,647, G>A. VCF-style: chr3-126988647-G-A. GRCh37 (hg19) VCF-style: chr3-126707490-G-A.
Other names: c.54G>A (NM_032242.3).
Identifiers: ClinVar variation 4762130 (VCV004762130.2).

ClinVar aggregate classification (germline): Likely benign. Review status: criteria provided, multiple submitters, no conflicts (2 of 4 stars). 2 submissions from 2 submitters: Likely benign (2). Last evaluated 2025-04-17.

Conditions:
PLXNA1-related disorder. Also called: PLXNA1-related condition.

Submissions (2):

Labcorp Genetics (formerly Invitae), Labcorp
Classification: Likely benign. Last evaluated: 2025-04-17. Review status: criteria provided, single submitter. Criteria: Invitae Variant Classification Sherloc (09022015). Collection method: clinical testing. Allele origin: germline.

PreventionGenetics, part of Exact Sciences
Classification: Likely benign for PLXNA1-related condition. Last evaluated: 2025-01-23. Review status: criteria provided, single submitter. Criteria: ACMG Guidelines, 2015. Collection method: clinical testing. Allele origin: germline.
Comment: This variant is classified as likely benign based on ACMG/AMP sequence variant interpretation guidelines (Richards et al. 2015 PMID: 25741868, with internal and published modifications).